The following is an entry in ClinVar:

NM_006086.4(TUBB3):c.137G>A (p.Arg46Gln)

Gene: TUBB3 (tubulin beta 3 class III; plus strand). Cytogenetic location: 16q24.3.
Variant type: single nucleotide variant.
Coding change: c.137G>A on transcript NM_006086.4 (MANE Select); coding-DNA position 137, G replaced by A.
Protein change: p.Arg46Gln; replaces arginine 46 with glutamine.
Molecular consequence: missense variant. On other transcripts: 5 prime UTR variant (1).
Genome position (GRCh38, 1-based): chr16:89,932,650, G>A. VCF-style: chr16-89932650-G-A. GRCh37 (hg19) VCF-style: chr16-89999058-G-A.
Other names: c.-80G>A (NM_001197181.2); short protein forms R46Q.
Identifiers: ClinVar variation 1343012 (VCV001343012.5), dbSNP rs1333706172, ClinGen allele CA397471030.

ClinVar aggregate classification (germline): Pathogenic (1 of 4 stars; one submission).

Allele frequency attached by ClinVar (database versions not stated): TOPMed below 0.00001; gnomAD 0.00001.

Submission:

GeneDx
Classification: Pathogenic. Last evaluated: 2025-11-21. Review status: criteria provided, single submitter. Criteria: GeneDx Variant Classification Process June 2021. Collection method: clinical testing. Allele origin: germline. Affected: yes.
Comment: Not observed at significant frequency in large population cohorts (gnomAD); In silico analysis supports that this missense variant has a deleterious effect on protein structure/function; Missense variants in this gene are a common cause of disease and they are underrepresented in the general population; This variant is associated with the following publications: (PMID: 20829227, 40614697)